The following is an entry in ClinVar:

NM_000443.4(ABCB4):c.803C>T (p.Ala268Val)

Gene: ABCB4 (ATP binding cassette subfamily B member 4; minus strand). Cytogenetic location: 7q21.12.
Variant type: single nucleotide variant.
Coding change: c.803C>T on transcript NM_000443.4 (MANE Select); coding-DNA position 803, C replaced by T.
Protein change: p.Ala268Val; replaces alanine 268 with valine.
Molecular consequence: missense variant.
Genome position (GRCh38, 1-based): chr7:87,449,998, G>A on the plus strand (C>T on the coding strand, the complement: ABCB4 is on the minus strand). VCF-style: chr7-87449998-G-A. GRCh37 (hg19) VCF-style: chr7-87079314-G-A.
Other names: c.803C>T, p.Ala268Val (NM_018849.3, NM_018850.3); short protein forms A268V.
Identifiers: ClinVar variation 4846392 (VCV004846392.1).

ClinVar aggregate classification (germline): Uncertain significance (1 of 4 stars; one submission).

Conditions:
Familial intrahepatic cholestasis. Identifiers: Orphanet 284385, MedGen CN296401, MONDO:0017290.

gnomAD v4.1: 2 of 1,614,166 alleles (0.00012%); highest among the groups gnomAD compares: East Asian, 0.0022%; no homozygotes.

Submission:

Genomenon, Inc
Classification: Uncertain significance for Familial intrahepatic cholestasis. Last evaluated: 2026-04-14. Review status: criteria provided, single submitter. Criteria: Genomenon Sequence Variant Interpretation Standards - Updated. Collection method: curation. Allele origin: germline. Affected: yes.
Comment: ABCB4 p.Ala268Val (c.803C>T) is a missense variant that changes the amino acid at residue 268 from Alanine to Valine. This variant has been observed in at least one proband with an ABCB4-related disorder (PMID:32942997). It is absent or not present at a significant frequency in gnomAD. In silico models predict that this variant is possibly or probably damaging. In conclusion, we classify ABCB4 p.Ala268Val (c.803C>T) as a variant of uncertain significance.

Literature cited by the submitters: PubMed 32942997.